The following is an entry in ClinVar:

ClinVar aggregate classification (germline): Uncertain significance. Review status: criteria provided, multiple submitters, no conflicts (2 of 4 stars). 2 submissions from 2 submitters: Uncertain significance (2). Last evaluated 2022-09-14.

Conditions:
Ehlers-Danlos syndrome, classic-like, 2. Identifiers: Orphanet 536532, MedGen C4693870, MONDO:0054813, OMIM 618000.

Allele frequency attached by ClinVar (database versions not stated): TOPMed below 0.00001; gnomAD 0.00007; 1000 Genomes Project 30x 0.00016; 1000 Genomes Project 0.00020; ExAC 0.00026.
gnomAD v4.1: 197 of 1,609,406 alleles (0.012%); highest among the groups gnomAD compares: South Asian, 0.2%; 3 homozygotes.

Submissions (2):

Labcorp Genetics (formerly Invitae), Labcorp
Classification: Uncertain significance. Last evaluated: 2022-09-14. Review status: criteria provided, single submitter. Criteria: Invitae Variant Classification Sherloc (09022015). Collection method: clinical testing. Allele origin: germline.
Comment: This sequence change replaces asparagine, which is neutral and polar, with isoleucine, which is neutral and non-polar, at codon 706 of the AEBP1 protein (p.Asn706Ile). This variant is present in population databases (rs200174513, gnomAD 0.2%). This variant has not been reported in the literature in individuals affected with AEBP1-related conditions. Algorithms developed to predict the effect of missense changes on protein structure and function (SIFT, PolyPhen-2, Align-GVGD) all suggest that this variant is likely to be disruptive. In summary, the available evidence is currently insufficient to determine the role of this variant in disease. Therefore, it has been classified as a Variant of Uncertain Significance.

Revvity Omics, Revvity
Classification: Uncertain significance for Ehlers-Danlos syndrome, classic-like, 2. Last evaluated: 2022-03-29. Review status: criteria provided, single submitter. Criteria: ACMG Guidelines, 2015. Collection method: clinical testing. Allele origin: germline.

NM_001129.5(AEBP1):c.2117A>T (p.Asn706Ile)

Gene: AEBP1 (AE binding protein 1; plus strand). Cytogenetic location: 7p13.
Variant type: single nucleotide variant.
Coding change: c.2117A>T on transcript NM_001129.5 (MANE Select); coding-DNA position 2117, A replaced by T.
Protein change: p.Asn706Ile; replaces asparagine 706 with isoleucine.
Molecular consequence: missense variant.
Genome position (GRCh38, 1-based): chr7:44,112,221, A>T. VCF-style: chr7-44112221-A-T. GRCh37 (hg19) VCF-style: chr7-44151820-A-T.
Other names: short protein forms N706I.
Identifiers: ClinVar variation 1930467 (VCV001930467.5), dbSNP rs200174513, ClinGen allele CA4238118.
Genomic context (GRCh38, chr7:44,112,221, plus strand): 5'-GGGCGCTGGGACTGTGGACTGAGGAGGGCTTTGACATCTTTGAAGATTTCCCGGATCTCA[A>T]CTCTGTGCTCTGGGGAGCTGAGGAGAGGAAATGGGTCCCCTACCGGGTCCCCAACAATAA-3'
Protein context (NP_001120.3, residues 696-716): FDIFEDFPDL[Asn706Ile]SVLWGAEERK